The following is an entry in ClinVar:

NM_001048174.2(MUTYH):c.433C>G (p.Leu145Val)

Gene: MUTYH (mutY DNA glycosylase; minus strand). Cytogenetic location: 1p34.1.
Variant type: single nucleotide variant.
Coding change: c.433C>G on transcript NM_001048174.2 (MANE Select); coding-DNA position 433, C replaced by G.
Protein change: p.Leu145Val; replaces leucine 145 with valine.
Molecular consequence: missense variant. On other transcripts: non-coding transcript variant (7).
Genome position (GRCh38, 1-based): chr1:45,332,822, G>C on the plus strand (C>G on the coding strand, the complement: MUTYH is on the minus strand). VCF-style: chr1-45332822-G-C. GRCh37 (hg19) VCF-style: chr1-45798494-G-C.
Other names: c.157C>G, p.Leu53Val (NM_001293196.2, NM_001293192.2, NM_001407091.1); c.88C>G, p.Leu30Val (NM_001350650.2, NM_001350651.2, NM_001407082.1); c.466C>G, p.Leu156Val (NM_001407069.1, NM_001407077.1, NM_001293191.2); c.433C>G, p.Leu145Val (NM_001407070.1, NM_001407072.1, NM_001407073.1 and 6 more transcripts); c.436C>G, p.Leu146Val (NM_001407071.1, NM_001048172.2, NM_001407078.1 and 1 more transcripts); c.349C>G, p.Leu117Val (NM_001407075.1); c.517C>G, p.Leu173Val (NM_001128425.2); c.478C>G, p.Leu160Val (NM_001293190.2); and 5 more; short protein forms L131V, L132V, L170V, L30V, L53V, L117V, L145V, L146V.
Identifiers: ClinVar variation 2845528 (VCV002845528.5), dbSNP rs1466705435, ClinGen allele CA340135812.

ClinVar aggregate classification (germline): Conflicting classifications of pathogenicity. Review status: criteria provided, conflicting classifications (1 of 4 stars). 2 submissions from 2 submitters: Uncertain significance (1); Likely benign (1). Last evaluated 2025-09-15.

Conditions:
Familial adenomatous polyposis 2. Also called: COLORECTAL ADENOMATOUS POLYPOSIS, AUTOSOMAL RECESSIVE; ADENOMAS, MULTIPLE COLORECTAL, AUTOSOMAL RECESSIVE; MUTYH-related attenuated familial adenomatous polyposis; MUTYH-associated polyposis; MYH-associated polyposis; MUTYH Polyposis. Identifiers: Orphanet 220460, Orphanet 247798, MedGen C3272841, MONDO:0012041, OMIM 608456.
Hereditary cancer-predisposing syndrome. Also called: Tumor predisposition; Hereditary neoplastic syndrome; Hereditary Cancer Syndrome; Neoplastic Syndromes, Hereditary. Identifiers: Orphanet 140162, MedGen C0027672, MeSH D009386, MONDO:0015356.

Submissions (2):

Ambry Genetics
Classification: Likely benign for Hereditary cancer-predisposing syndrome. Last evaluated: 2025-09-15. Review status: criteria provided, single submitter. Criteria: Ambry Variant Classification Scheme 2023. Collection method: clinical testing. Allele origin: germline.

Labcorp Genetics (formerly Invitae), Labcorp
Classification: Uncertain significance for Familial adenomatous polyposis 2. Last evaluated: 2023-03-14. Review status: criteria provided, single submitter. Criteria: Invitae Variant Classification Sherloc (09022015). Collection method: clinical testing. Allele origin: germline.
Comment: In summary, the available evidence is currently insufficient to determine the role of this variant in disease. Therefore, it has been classified as a Variant of Uncertain Significance. An algorithm developed to predict the effect of missense changes on protein structure and function (PolyPhen-2) suggests that this variant is likely to be tolerated. This variant has not been reported in the literature in individuals affected with MUTYH-related conditions. This variant is not present in population databases (gnomAD no frequency). This sequence change replaces leucine, which is neutral and non-polar, with valine, which is neutral and non-polar, at codon 173 of the MUTYH protein (p.Leu173Val).

Literature cited by the submitters: PubMed 40738107 (cited by Ambry Genetics).